The following is an entry in ClinVar:

NM_015559.3(SETBP1):c.802G>T (p.Gly268Cys)

Gene: SETBP1 (SET binding protein 1; plus strand). Cytogenetic location: 18q12.3.
Variant type: single nucleotide variant.
Coding change: c.802G>T on transcript NM_015559.3 (MANE Select); coding-DNA position 802, G replaced by T.
Protein change: p.Gly268Cys; replaces glycine 268 with cysteine.
Molecular consequence: missense variant.
Genome position (GRCh38, 1-based): chr18:44,950,142, G>T. VCF-style: chr18-44950142-G-T. GRCh37 (hg19) VCF-style: chr18-42530107-G-T.
Other names: c.802G>T, p.Gly268Cys (NM_001379141.1, NM_001379142.1, NM_001410862.1); short protein forms G268C.
Identifiers: ClinVar variation 4875240 (VCV004875240.2).

ClinVar aggregate classification (germline): Uncertain significance (1 of 4 stars; one submission).

Submission:

CeGaT Center for Human Genetics Tuebingen
Classification: Uncertain significance. Last evaluated: 2026-06-01. Review status: criteria provided, single submitter. Criteria: CeGaT Center For Human Genetics Tuebingen Variant Classification Criteria Version 2. Collection method: clinical testing. Allele origin: germline. Affected: yes. Observed: 1 variant allele.
Comment: SETBP1: PM2, BP1, BP4